The following is an entry in ClinVar:

ClinVar aggregate classification (germline): Pathogenic (1 of 4 stars; one submission).

Allele frequency attached by ClinVar (database versions not stated): gnomAD exomes below 0.00001 and 0.00001.
gnomAD v4.1: 2 of 1,551,410 alleles (0.00013%); highest among the groups gnomAD compares: Non-Finnish European, 0.00017%; no homozygotes.

Submission:

Labcorp Genetics (formerly Invitae), Labcorp
Classification: Pathogenic. Last evaluated: 2023-01-18. Review status: criteria provided, single submitter. Criteria: Invitae Variant Classification Sherloc (09022015). Collection method: clinical testing. Allele origin: germline.
Comment: This sequence change creates a premature translational stop signal (p.Glu1550*) in the UNC80 gene. It is expected to result in an absent or disrupted protein product. Loss-of-function variants in UNC80 are known to be pathogenic (PMID: 26545877, 26708751, 26708753). This variant is present in population databases (no rsID available, gnomAD 0.002%). This variant has not been reported in the literature in individuals affected with UNC80-related conditions. ClinVar contains an entry for this variant (Variation ID: 1458163). Algorithms developed to predict the effect of sequence changes on RNA splicing suggest that this variant may disrupt the consensus splice site. For these reasons, this variant has been classified as Pathogenic.

Literature cited by the submitters: PubMed 26545877; PubMed 26708751; PubMed 26708753.

NM_001371986.1(UNC80):c.4846G>T (p.Glu1616Ter)

Gene: UNC80 (unc-80 subunit of NALCN channel complex; plus strand). Cytogenetic location: 2q34.
Variant type: single nucleotide variant.
Coding change: c.4846G>T on transcript NM_001371986.1 (MANE Select); coding-DNA position 4846, G replaced by T.
Protein change: p.Glu1616Ter; replaces glutamic acid 1616 with a stop codon.
Molecular consequence: nonsense.
Genome position (GRCh38, 1-based): chr2:209,912,623, G>T. VCF-style: chr2-209912623-G-T. GRCh37 (hg19) VCF-style: chr2-210777347-G-T.
Other names: c.4648G>T, p.Glu1550Ter (NM_032504.2); c.4633G>T, p.Glu1545Ter (NM_182587.4); short protein forms E1545*, E1616*, E1550*.
Identifiers: ClinVar variation 1458163 (VCV001458163.6), dbSNP rs1475433563, ClinGen allele CA350754369.
Genomic context (GRCh38, chr2:209,912,623, plus strand): 5'-TCAGATAAGTCATGCCTGAGGACACCTTCTCTAAAGAAGAGAGTTTCAGATGCCAATCTG[G>T]AAGGAAAAAAAGATTCCGGAATGCTGAAGTACATCAGACTTCAGGTATTGTTACCTGGAT-3'